The following is an entry in ClinVar:

ClinVar aggregate classification (germline): Conflicting classifications of pathogenicity. Review status: criteria provided, conflicting classifications (1 of 4 stars). 6 submissions from 6 submitters: Uncertain significance (3); Likely benign (3). Last evaluated 2026-06-01.

Conditions:
TTN-related disorder. Also called: TTN-related condition; TTN-related disease; TTN-related disorders.

Allele frequency attached by ClinVar (database versions not stated): gnomAD 0.00013 and 0.00016; ExAC 0.00008; gnomAD exomes 0.00009; TOPMed 0.00027.
gnomAD v4.1: 81 of 1,612,302 alleles (0.005%); highest among the groups gnomAD compares: Admixed American, 0.028%; no homozygotes.

Submissions (6):

CeGaT Center for Human Genetics Tuebingen
Classification: Uncertain significance. Last evaluated: 2026-06-01. Review status: criteria provided, single submitter. Criteria: CeGaT Center For Human Genetics Tuebingen Variant Classification Criteria Version 2. Collection method: clinical testing. Allele origin: germline. Affected: yes. Observed: 2 variant alleles.
Comment: TTN: PM2, BP4

PreventionGenetics, part of Exact Sciences
Classification: Uncertain significance for TTN-related condition. Last evaluated: 2026-05-26. Review status: criteria provided, single submitter. Criteria: ACMG Guidelines, 2015. Collection method: clinical testing. Allele origin: germline.
Comment: The TTN c.36019G>C variant is predicted to result in the amino acid substitution p.Glu12007Gln. To our knowledge, this variant has not been reported in the literature. This variant is reported in 0.10% of alleles in individuals of Ashkenazi Jewish descent in gnomAD. Although we suspect that this variant may be benign, at this time, the clinical significance of this variant is uncertain due to the absence of conclusive functional and genetic evidence.

Molecular Diagnostic Laboratory for Inherited Cardiovascular Disease, Montreal Heart Institute
Classification: Likely benign. Last evaluated: 2025-04-09. Review status: criteria provided, single submitter. Criteria: ACMG Guidelines, 2015. Collection method: clinical testing. Allele origin: germline. Affected: no.

Blueprint Genetics
Classification: Likely benign. Last evaluated: 2024-11-21. Review status: criteria provided, single submitter. Criteria: ACMG Guidelines, 2015. Collection method: clinical testing. Allele origin: germline.

Athena Diagnostics
Classification: Likely benign. Last evaluated: 2021-05-13. Review status: criteria provided, single submitter. Criteria: Athena Diagnostics criteria. Collection method: clinical testing. Allele origin: unknown.

ARUP Laboratories, Molecular Genetics and Genomics, ARUP Laboratories
Classification: Uncertain significance. Last evaluated: 2020-02-27. Review status: criteria provided, single submitter. Criteria: ARUP Molecular Germline Variant Investigation Process. Collection method: clinical testing. Allele origin: germline.
Comment: The TTN c.36019G>C; p.Glu12007Gln variant (rs761660130) is rare in the general population (<1% allele frequency in the Genome Aggregation Database) and has not been reported in the medical literature in association with dilated cardiomyopathy (DCM) or other TTN-related disease. The clinical relevance of rare missense variants in this gene, which are identified on average once per individual sequenced in affected populations (Herman 2012), is not well understood. Yet, evidence suggests that the vast majority of such missense variants do not contribute to the clinical outcome of DCM (Begay 2015). Thus, the clinical significance of the p.Glu12007Gln variant cannot be determined with certainty. References: Begay RL et al. Role of Titin Missense Variants in Dilated Cardiomyopathy. J Am Heart Assoc. 2015 Nov 13;4(11). Herman DS et al. Truncations of titin causing dilated cardiomyopathy. N Engl J Med. 2012 Feb 16;366(7):619-28.

NM_001267550.2(TTN):c.36019G>C (p.Glu12007Gln)

Gene: TTN (titin; minus strand). Cytogenetic location: 2q31.2.
Variant type: single nucleotide variant.
Coding change: c.36019G>C on transcript NM_001267550.2 (MANE Select); coding-DNA position 36019, G replaced by C.
Protein change: p.Glu12007Gln; replaces glutamic acid 12007 with glutamine.
Molecular consequence: missense variant. On other transcripts: intron variant (5).
Genome position (GRCh38, 1-based): chr2:178,665,401, C>G on the plus strand (G>C on the coding strand, the complement: TTN is on the minus strand). VCF-style: chr2-178665401-C-G. GRCh37 (hg19) VCF-style: chr2-179530128-C-G.
Other names: c.13283-23084G>C (NM_003319.4); c.13859-23084G>C (NM_133437.4); c.13658-23084G>C (NM_133432.3); c.31484-2346G>C (NM_133378.4); c.34265-2346G>C (NM_001256850.1); short protein forms E12007Q.
Identifiers: ClinVar variation 993642 (VCV000993642.19), dbSNP rs761660130, ClinGen allele CA1997691.